The following is an entry in ClinVar:

ClinVar aggregate classification (germline): Uncertain significance. Review status: criteria provided, multiple submitters, no conflicts (2 of 4 stars). 2 submissions from 2 submitters: Uncertain significance (2). Last evaluated 2024-07-04.

Conditions:
Dilated cardiomyopathy 1G (CMD1G). Identifiers: Orphanet 154, MedGen C1858763, MONDO:0011400, OMIM 604145.
Autosomal recessive limb-girdle muscular dystrophy type 2J (LGMDR10). Also called: MUSCULAR DYSTROPHY, LIMB-GIRDLE, AUTOSOMAL RECESSIVE 10; Limb-girdle muscular dystrophy, type 2J. Identifiers: Orphanet 140922, MedGen C1837342, MONDO:0012127, OMIM 608807.

Allele frequency attached by ClinVar (database versions not stated): gnomAD exomes below 0.00001; ExAC 0.00001; gnomAD 0.00001 and 0.00002; TOPMed 0.00002.
gnomAD v4.1: 4 of 1,613,008 alleles (0.00025%); highest among the groups gnomAD compares: African/African-American, 0.0053%; no homozygotes.

Submissions (2):

Labcorp Genetics (formerly Invitae), Labcorp
Classification: Uncertain significance for Dilated cardiomyopathy 1G; Autosomal recessive limb-girdle muscular dystrophy type 2J. Last evaluated: 2024-07-04. Review status: criteria provided, single submitter. Criteria: Invitae Variant Classification Sherloc (09022015). Collection method: clinical testing. Allele origin: germline.
Comment: This sequence change replaces lysine, which is basic and polar, with arginine, which is basic and polar, at codon 35665 of the TTN protein (p.Lys35665Arg). This variant is present in population databases (rs746841189, gnomAD 0.008%). This variant has not been reported in the literature in individuals affected with TTN-related conditions. ClinVar contains an entry for this variant (Variation ID: 203110). Algorithms developed to predict the effect of missense changes on protein structure and function output the following: SIFT: "Not Available"; PolyPhen-2: "Not Available"; Align-GVGD: "Not Available". The arginine amino acid residue is found in multiple mammalian species, which suggests that this missense change does not adversely affect protein function. This variant is located in the M band of TTN (PMID: 25589632). Non-truncating variants in this region may be relevant for neuromuscular disorders, but have not been definitively shown to cause cardiomyopathy (PMID: 23975875). In summary, the available evidence is currently insufficient to determine the role of this variant in disease. Therefore, it has been classified as a Variant of Uncertain Significance.

GeneDx
Classification: Uncertain significance. Last evaluated: 2013-08-12. Review status: criteria provided, single submitter. Criteria: GeneDx Variant Classification (06012015). Collection method: clinical testing. Allele origin: germline. Affected: yes.
Comment: Missense variants in the TTN gene are considered 'unclassified' if they are not previously reported in the literature and do not have >1% frequency in the population to be considered a polymorphism. Research indicates that truncating mutations in the TTN gene are expected to account for approximately 25% of familial and 18% of sporadic idiopathic DCM; however, truncating variants in the TTN gene have been reported in approximately 3% of reported control alleles. There has been little investigation into non-truncating variants. (Herman D et al. Truncations of titin causing dilated cardiomyopathy. N Eng J Med 366:619-628, 2012) The variant is found in DCM panel(s).

Literature cited by the submitters: PubMed 25589632 (cited by Labcorp Genetics (formerly Invitae), Labcorp); PubMed 23975875 (cited by Labcorp Genetics (formerly Invitae), Labcorp).

NM_001267550.2(TTN):c.106994A>G (p.Lys35665Arg)

Genes: TTN (titin; minus strand), TTN-AS1 (TTN antisense RNA 1; plus strand). Cytogenetic location: 2q31.2.
Variant type: single nucleotide variant.
Coding change: c.106994A>G on transcript NM_001267550.2 (MANE Select); coding-DNA position 106994, A replaced by G.
Protein change: p.Lys35665Arg; replaces lysine 35665 with arginine.
Molecular consequence: missense variant.
Genome position (GRCh38, 1-based): chr2:178,528,757, T>C on the plus strand (A>G on the coding strand, the complement: TTN is on the minus strand). VCF-style: chr2-178528757-T-C. GRCh37 (hg19) VCF-style: chr2-179393484-T-C.
Other names: p.K34024R:AAG>AGG; c.102071A>G, p.Lys34024Arg (NM_001256850.1); c.79799A>G, p.Lys26600Arg (NM_003319.4); c.99290A>G, p.Lys33097Arg (NM_133378.4); c.80174A>G, p.Lys26725Arg (NM_133432.3); c.80375A>G, p.Lys26792Arg (NM_133437.4); short protein forms K34024R, K35665R, K26600R, K33097R, K26725R, K26792R.
Identifiers: ClinVar variation 203110 (VCV000203110.7), dbSNP rs746841189, ClinGen allele CA311274.